The following is an entry in ClinVar:

NM_001759.4(CCND2):c.643C>T (p.Gln215Ter)

Gene: CCND2 (cyclin D2; plus strand). Cytogenetic location: 12p13.32.
Variant type: single nucleotide variant.
Coding change: c.643C>T on transcript NM_001759.4 (MANE Select); coding-DNA position 643, C replaced by T.
Protein change: p.Gln215Ter; replaces glutamine 215 with a stop codon.
Molecular consequence: nonsense.
Genome position (GRCh38, 1-based): chr12:4,288,913, C>T. VCF-style: chr12-4288913-C-T. GRCh37 (hg19) VCF-style: chr12-4398079-C-T.
Other names: short protein forms Q215*.
Identifiers: ClinVar variation 3997605 (VCV003997605.1).
Genomic context (GRCh38, chr12:4,288,913, plus strand): 5'-GCCATGTACCCACCGTCGATGATCGCAACTGGAAGTGTGGGAGCAGCCATCTGTGGGCTC[C>T]AGCAGGATGAGGAAGTGAGCTCGCTCACTTGTGATGCCCTGACTGAGCTGCTGGCTAAGA-3'

ClinVar aggregate classification (germline): Pathogenic (1 of 4 stars; one submission).

Conditions:
Inborn genetic diseases. Identifiers: MedGen C0950123, MeSH D030342.

Submission:

Ambry Genetics
Classification: Pathogenic for Inborn genetic diseases. Last evaluated: 2025-06-13. Review status: criteria provided, single submitter. Criteria: Ambry Variant Classification Scheme 2023. Collection method: clinical testing. Allele origin: germline.
Comment: The c.643C>T (p.Q215*) alteration, located in coding exon 4 of the CCND2 gene, consists of a C to T substitution at nucleotide position 643. This changes the amino acid from a glutamine (Q) to a stop codon at amino acid position 215. This alteration is expected to result in loss of function by premature protein truncation or nonsense-mediated mRNA decay. for CCND2-related microcephaly; however, its clinical significance for CCND2-related megalencephaly-polymicrogyria-polydactyly-hydrocephalus (MPPH) syndrome is uncertain. This variant was not reported in population-based cohorts in the Genome Aggregation Database (gnomAD). Based on the available evidence, this alteration is classified as pathogenic.